The following is an entry in ClinVar:

ClinVar aggregate classification (germline): Uncertain significance. Review status: criteria provided, multiple submitters, no conflicts (2 of 4 stars). 6 submissions from 6 submitters: Uncertain significance (6). Last evaluated 2026-01-06.

Conditions:
Hereditary cancer-predisposing syndrome. Also called: Hereditary neoplastic syndrome; Neoplastic Syndromes, Hereditary; Tumor predisposition; Hereditary Cancer Syndrome. Identifiers: Orphanet 140162, MedGen C0027672, MeSH D009386, MONDO:0015356.
Facial dysmorphism-immunodeficiency-livedo-short stature syndrome. Also called: Facial dysmorphism, immunodeficiency, livedo, and short stature; FILS syndrome. Identifiers: Orphanet 352712, MedGen C3554576, MONDO:0014058, OMIM 615139.

Allele frequency attached by ClinVar (database versions not stated): gnomAD exomes below 0.00001 and 0.00001; ExAC 0.00001; gnomAD 0.00006 and 0.00008; ESP Exome Variant Server 0.00008; TOPMed 0.00011.

Submissions (6):

Labcorp Genetics (formerly Invitae), Labcorp
Classification: Uncertain significance. Last evaluated: 2026-01-06. Review status: criteria provided, single submitter. Criteria: Invitae Variant Classification Sherloc (09022015). Collection method: clinical testing. Allele origin: germline.
Comment: This sequence change replaces lysine, which is basic and polar, with arginine, which is basic and polar, at codon 149 of the POLE protein (p.Lys149Arg). This variant is present in population databases (rs374428362, gnomAD 0.008%). This variant has not been reported in the literature in individuals affected with POLE-related conditions. ClinVar contains an entry for this variant (Variation ID: 246430). Invitae Evidence Modeling of protein sequence and biophysical properties (such as structural, functional, and spatial information, amino acid conservation, physicochemical variation, residue mobility, and thermodynamic stability) indicates that this missense variant is not expected to disrupt POLE protein function with a negative predictive value of 80%. In summary, the available evidence is currently insufficient to determine the role of this variant in disease. Therefore, it has been classified as a Variant of Uncertain Significance.

GeneDx
Classification: Uncertain significance. Last evaluated: 2025-09-24. Review status: criteria provided, single submitter. Criteria: GeneDx Variant Classification Process June 2021. Collection method: clinical testing. Allele origin: germline. Affected: yes.
Comment: Not observed at significant frequency in large population cohorts (gnomAD); In silico analysis suggests that this missense variant does not alter protein structure/function; Has not been previously published as pathogenic or benign to our knowledge; This variant is associated with the following publications: (PMID: 29056344)

Ambry Genetics
Classification: Uncertain significance for Hereditary cancer-predisposing syndrome. Last evaluated: 2025-01-30. Review status: criteria provided, single submitter. Criteria: Ambry Variant Classification Scheme 2023. Collection method: clinical testing. Allele origin: germline.
Comment: The p.K149R variant (also known as c.446A>G), located in coding exon 6 of the POLE gene, results from an A to G substitution at nucleotide position 446. The lysine at codon 149 is replaced by arginine, an amino acid with highly similar properties. This amino acid position is conserved. In addition, this alteration is predicted to be tolerated by in silico analysis. Based on the available evidence, the clinical significance of this variant remains unclear.

Sema4
Classification: Uncertain significance for Hereditary cancer-predisposing syndrome. Last evaluated: 2021-04-14. Review status: criteria provided, single submitter. Criteria: Sema4 Curation Guidelines. Collection method: curation. Allele origin: germline.
Comment: The POLE c.446A>G (p.K149R) variant has not been reported in the literature to our knowledge. It was observed in 2/24974 chromosomes of the African subpopulation in the large and broad cohorts of the Genome Aggregation Database (PMID: 32461654). The variant has been reported in ClinVar (Variation ID 246430). In silico tools suggest the impact of the variant on protein function is inconclusive, though these predictions have not been confirmed by functional studies. The evidence is insufficient to meet ACMG/AMP criteria for classifying the variant as benign or pathogenic. Thus, the clinical significance of this variant is currently uncertain.

New York Genome Center
Classification: Uncertain significance for Facial dysmorphism-immunodeficiency-livedo-short stature syndrome. Last evaluated: 2020-07-17. Review status: criteria provided, single submitter. Criteria: NYGC Assertion Criteria 2020. Collection method: clinical testing. Allele origin: germline. Observed: 1 heterozygote. Study: CSER-NYCKidSeq.

Quest Diagnostics Nichols Institute San Juan Capistrano
Classification: Uncertain significance. Last evaluated: 2018-08-02. Review status: criteria provided, single submitter. Criteria: Quest Diagnostics criteria. Collection method: clinical testing. Allele origin: germline.

NM_006231.4(POLE):c.446A>G (p.Lys149Arg)

Gene: POLE (DNA polymerase epsilon, catalytic subunit; minus strand). Cytogenetic location: 12q24.33.
Variant type: single nucleotide variant.
Coding change: c.446A>G on transcript NM_006231.4 (MANE Select); coding-DNA position 446, A replaced by G.
Protein change: p.Lys149Arg; replaces lysine 149 with arginine.
Molecular consequence: missense variant.
Genome position (GRCh38, 1-based): chr12:132,679,629, T>C on the plus strand (A>G on the coding strand, the complement: POLE is on the minus strand). VCF-style: chr12-132679629-T-C. GRCh37 (hg19) VCF-style: chr12-133256215-T-C.
Other names: short protein forms K149R.
Identifiers: ClinVar variation 246430 (VCV000246430.22), dbSNP rs374428362, ClinGen allele CA6894314.